The following is an entry in ClinVar:

NM_004006.3(DMD):c.6865G>A (p.Asp2289Asn)

Gene: DMD (dystrophin; minus strand). Cytogenetic location: Xp21.1.
Variant type: single nucleotide variant.
Coding change: c.6865G>A on transcript NM_004006.3 (MANE Select); coding-DNA position 6865, G replaced by A.
Protein change: p.Asp2289Asn; replaces aspartic acid 2289 with asparagine.
Molecular consequence: missense variant. On other transcripts: 5 prime UTR variant (5).
Genome position (GRCh38, 1-based): chrX:31,929,643, C>T on the plus strand (G>A on the coding strand, the complement: DMD is on the minus strand). VCF-style: chrX-31929643-C-T. GRCh37 (hg19) VCF-style: chrX-31947760-C-T.
Other names: c.6841G>A, p.Asp2281Asn (NM_000109.4); c.6853G>A, p.Asp2285Asn (NM_004009.3); c.6496G>A, p.Asp2166Asn (NM_004010.3); c.2842G>A, p.Asp948Asn (NM_004011.4); c.2833G>A, p.Asp945Asn (NM_004012.4); c.-516G>A (NM_004013.3, NM_004020.4, NM_004021.3 and 2 more transcripts); short protein forms D945N, D948N, D2285N, D2289N, D2281N, D2166N.
Identifiers: ClinVar variation 2172074 (VCV002172074.4), dbSNP rs2094827957, ClinGen allele CA412657860.

ClinVar aggregate classification (germline): Uncertain significance. Review status: criteria provided, multiple submitters, no conflicts (2 of 4 stars). 3 submissions from 3 submitters: Uncertain significance (3). Last evaluated 2024-06-05.

Conditions:
Duchenne muscular dystrophy (DMD). Also called: MUSCULAR DYSTROPHY, PSEUDOHYPERTROPHIC PROGRESSIVE, DUCHENNE TYPE; Duchenne Muscular Dystrophy (DMD). Identifiers: Orphanet 98896, MedGen C0013264, MONDO:0010679, OMIM 310200.

Allele frequency attached by ClinVar (database versions not stated): gnomAD exomes below 0.00001.
gnomAD v4.1: 1 of 1,211,315 alleles (0.000083%); highest among the groups gnomAD compares: Middle Eastern, 0.023%; no homozygotes.

Submissions (3):

Revvity Omics, Revvity
Classification: Uncertain significance. Last evaluated: 2024-06-05. Review status: criteria provided, single submitter. Criteria: ACMG Guidelines, 2015. Collection method: clinical testing. Allele origin: germline.

Genomic Medicine Center of Excellence, King Faisal Specialist Hospital and Research Centre
Classification: Uncertain significance for Duchenne muscular dystrophy. Last evaluated: 2024-03-25. Review status: criteria provided, single submitter. Criteria: ACMG Guidelines, 2015. Collection method: research. Allele origin: germline.

Labcorp Genetics (formerly Invitae), Labcorp
Classification: Uncertain significance for Duchenne muscular dystrophy. Last evaluated: 2021-12-24. Review status: criteria provided, single submitter. Criteria: Invitae Variant Classification Sherloc (09022015). Collection method: clinical testing. Allele origin: germline.
Comment: This sequence change replaces aspartic acid, which is acidic and polar, with asparagine, which is neutral and polar, at codon 2289 of the DMD protein (p.Asp2289Asn). This variant is not present in population databases (gnomAD no frequency). This variant has not been reported in the literature in individuals affected with DMD-related conditions. Algorithms developed to predict the effect of missense changes on protein structure and function are either unavailable or do not agree on the potential impact of this missense change (SIFT: "Tolerated"; PolyPhen-2: "Possibly Damaging"; Align-GVGD: "Class C0"). In summary, the available evidence is currently insufficient to determine the role of this variant in disease. Therefore, it has been classified as a Variant of Uncertain Significance.